The following is an entry in ClinVar:

NM_006206.6(PDGFRA):c.2012A>G (p.Tyr671Cys)

Gene: PDGFRA (platelet derived growth factor receptor alpha; plus strand). Cytogenetic location: 4q12.
Variant type: single nucleotide variant.
Coding change: c.2012A>G on transcript NM_006206.6 (MANE Select); coding-DNA position 2012, A replaced by G.
Protein change: p.Tyr671Cys; replaces tyrosine 671 with cysteine.
Molecular consequence: missense variant.
Genome position (GRCh38, 1-based): chr4:54,278,371, A>G. VCF-style: chr4-54278371-A-G. GRCh37 (hg19) VCF-style: chr4-55144538-A-G.
Other names: c.2012A>G, p.Tyr671Cys (NM_001347827.2, NM_001347829.2); c.2087A>G, p.Tyr696Cys (NM_001347828.2); c.2051A>G, p.Tyr684Cys (NM_001347830.2); short protein forms Y671C, Y684C, Y696C.
Identifiers: ClinVar variation 2753410 (VCV002753410.3), dbSNP rs2110314811, ClinGen allele CA356893837.

ClinVar aggregate classification (germline): Uncertain significance (1 of 4 stars; one submission).

Conditions:
Gastrointestinal stromal tumor. Also called: Gastrointestinal stromal tumor, somatic; Gastrointestinal stroma tumor. Identifiers: Orphanet 44890, MedGen C0238198, MeSH D046152, MONDO:0011719, OMIM 606764, HP:0100723.

Submission:

Labcorp Genetics (formerly Invitae), Labcorp
Classification: Uncertain significance for Gastrointestinal stromal tumor. Last evaluated: 2025-05-09. Review status: criteria provided, single submitter. Criteria: Invitae Variant Classification Sherloc (09022015). Collection method: clinical testing. Allele origin: germline.
Comment: This sequence change replaces tyrosine, which is neutral and polar, with cysteine, which is neutral and slightly polar, at codon 671 of the PDGFRA protein (p.Tyr671Cys). This variant is not present in population databases (gnomAD no frequency). This variant has not been reported in the literature in individuals affected with PDGFRA-related conditions. ClinVar contains an entry for this variant (Variation ID: 2753410). Invitae Evidence Modeling of protein sequence and biophysical properties (such as structural, functional, and spatial information, amino acid conservation, physicochemical variation, residue mobility, and thermodynamic stability) has been performed for this missense variant. However, the output from this modeling did not meet the statistical confidence thresholds required to predict the impact of this variant on PDGFRA protein function. In summary, the available evidence is currently insufficient to determine the role of this variant in disease. Therefore, it has been classified as a Variant of Uncertain Significance.